The following is an entry in ClinVar:

NM_139125.4(MASP1):c.2179G>A (p.Glu727Lys)

Gene: MASP1 (MBL associated serine protease 1; minus strand). Cytogenetic location: 3q27.3.
Variant type: single nucleotide variant.
Coding change: c.2179G>A on transcript NM_139125.4 (MANE Select); coding-DNA position 2179, G replaced by A.
Protein change: p.Glu727Lys; replaces glutamic acid 727 with lysine.
Molecular consequence: missense variant. On other transcripts: non-coding transcript variant (1), intron variant (1).
Genome position (GRCh38, 1-based): chr3:187,235,692, C>T on the plus strand (G>A on the coding strand, the complement: MASP1 is on the minus strand). VCF-style: chr3-187235692-C-T. GRCh37 (hg19) VCF-style: chr3-186953480-C-T.
Other names: c.1303+5789G>A (NM_001879.6); short protein forms E727K.
Identifiers: ClinVar variation 706688 (VCV000706688.29), dbSNP rs562091536, ClinGen allele CA2749080.
Genomic context (GRCh38, chr3:187,235,692, plus strand): 5'-AGTGCGGTGTAGCTTCGCTCAGGGGAGGCAGGCCCCGAGGAAGTAAGTCAGCTCACCGTT[C>T]CACCTGGGGCTCCACAACACTTTGTGGTAAGCCCATCTGCTCCCACACCCAGTCCACGTA-3'
Protein context (NP_624302.1, residues 717-728): LPQSVVEPQV[Glu727Lys]R

ClinVar aggregate classification (germline): Benign/Likely benign. Review status: criteria provided, multiple submitters, no conflicts (2 of 4 stars). 3 submissions from 3 submitters: Benign (1); Likely benign (2). Last evaluated 2024-01-01.

Conditions:
Inborn genetic diseases. Identifiers: MedGen C0950123, MeSH D030342.

Allele frequency attached by ClinVar (database versions not stated): gnomAD 0.00001 and 0.00013; TOPMed 0.00001; gnomAD exomes 0.00031 and 0.00064; 1000 Genomes Project 0.00040; ExAC 0.00068; 1000 Genomes Project 30x 0.00078.
gnomAD v4.1: 471 of 1,614,158 alleles (0.029%); highest among the groups gnomAD compares: South Asian, 0.49%; 13 homozygotes.

Submissions (3):

CeGaT Center for Human Genetics Tuebingen
Classification: Likely benign. Last evaluated: 2024-01-01. Review status: criteria provided, single submitter. Criteria: CeGaT Center For Human Genetics Tuebingen Variant Classification Criteria Version 2. Collection method: clinical testing. Allele origin: germline. Affected: yes. Observed: 2 variant alleles.
Comment: MASP1: BS2

Ambry Genetics
Classification: Likely benign for Inborn genetic diseases. Last evaluated: 2022-05-31. Review status: criteria provided, single submitter. Criteria: Ambry Variant Classification Scheme 2023. Collection method: clinical testing. Allele origin: germline.

Labcorp Genetics (formerly Invitae), Labcorp
Classification: Benign. Last evaluated: 2018-03-29. Review status: criteria provided, single submitter. Criteria: Invitae Variant Classification Sherloc (09022015). Collection method: clinical testing. Allele origin: germline.